The following is an entry in ClinVar:

ClinVar aggregate classification (germline): Pathogenic (1 of 4 stars; one submission).

Submission:

GeneDx
Classification: Pathogenic. Last evaluated: 2017-02-07. Review status: criteria provided, single submitter. Criteria: GeneDx Variant Classification (06012015). Collection method: clinical testing. Allele origin: germline. Affected: yes.
Comment: The c.6994dupT variant in the CHD7 gene has not been reported previously as a pathogenic variant nor as a benign variant, to our knowledge. The c.6994dupT variant causes a frameshift starting with codon Tryptophan 2332, changes this amino acid to a Leucine residue, and creates a premature Stop codon at position 5 of the new reading frame, denoted p.Trp2332LeufsX5. This variant is predicted to cause loss of normal protein function either through protein truncation or nonsense-mediated mRNA decay. Furthermore, the c.6994dupT variant is not observed in large population cohorts (Lek et al., 2016; Exome Variant Server). Therefore, we interpret c.6994dupT as a pathogenic variant

NM_017780.4(CHD7):c.6994dup (p.Trp2332fs)

Gene: CHD7 (chromodomain helicase DNA binding protein 7; plus strand). Cytogenetic location: 8q12.2.
Variant type: Duplication.
Coding change: c.6994dup on transcript NM_017780.4 (MANE Select); coding-DNA position 6994, one base duplicated (T; older notation c.6994dupT).
Protein change: p.Trp2332fs; shifts the reading frame from tryptophan 2332.
Molecular consequence: frameshift variant. On other transcripts: intron variant (1).
Genome position (GRCh38, 1-based): chr8:60,856,032, T duplicated. VCF-style (leftmost placement, unchanged base first): chr8-60856031-A-AT. GRCh37 (hg19) VCF-style: chr8-61768590-A-AT.
Other names: c.6994dup (LRG_176t1); c.1717-6197dup (NM_001316690.1); short protein forms W2332fs.
Identifiers: ClinVar variation 423496 (VCV000423496.2), dbSNP rs1554604772, ClinGen allele CA16618679.